The following is an entry in ClinVar:

NM_000038.6(APC):c.5842G>A (p.Asp1948Asn)

Gene: APC (APC regulator of Wnt signaling pathway; plus strand). Cytogenetic location: 5q22.2.
Variant type: single nucleotide variant.
Coding change: c.5842G>A on transcript NM_000038.6 (MANE Select); coding-DNA position 5842, G replaced by A.
Protein change: p.Asp1948Asn; replaces aspartic acid 1948 with asparagine.
Molecular consequence: missense variant.
Genome position (GRCh38, 1-based): chr5:112,841,436, G>A. VCF-style: chr5-112841436-G-A. GRCh37 (hg19) VCF-style: chr5-112177133-G-A.
Other names: c.5842G>A, p.Asp1948Asn (NM_001127510.3, NM_001354895.2); c.5788G>A, p.Asp1930Asn (NM_001127511.3); c.5896G>A, p.Asp1966Asn (NM_001354896.2); c.5872G>A, p.Asp1958Asn (NM_001354897.2); c.5767G>A, p.Asp1923Asn (NM_001354898.2); c.5758G>A, p.Asp1920Asn (NM_001354899.2); c.5719G>A, p.Asp1907Asn (NM_001354900.2); c.5665G>A, p.Asp1889Asn (NM_001354901.2); and 5 more; short protein forms D1847N, D1889N, D1958N, D1822N, D1923N, D1930N, D1788N, D1857N.
Identifiers: ClinVar variation 836545 (VCV000836545.49), dbSNP rs1766063716, ClinGen allele CA16034106.
Genomic context (GRCh38, chr5:112,841,436, plus strand): 5'-CAGAAACAATCCACTTTTCCCCAGTCATCCAAAGACATACCAGACAGAGGGGCAGCAACT[G>A]ATGAAAAGTTACAGAATTTTGCTATTGAAAATACTCCGGTTTGCTTTTCTCATAATTCCT-3'
Protein context (NP_000029.2, residues 1938-1958): KDIPDRGAAT[Asp1948Asn]EKLQNFAIEN

ClinVar aggregate classification (germline): Uncertain significance (1 of 4 stars; one submission).

Conditions:
Familial adenomatous polyposis 1 (FAP1). Also called: POLYPOSIS, ADENOMATOUS INTESTINAL; FAMILIAL ADENOMATOUS POLYPOSIS 1, ATTENUATED. Identifiers: MedGen C2713442, MONDO:0021056, OMIM 175100. Disease mechanism: loss of function.

Submission:

Labcorp Genetics (formerly Invitae), Labcorp
Classification: Uncertain significance for Familial adenomatous polyposis 1. Last evaluated: 2022-10-17. Review status: criteria provided, single submitter. Criteria: Invitae Variant Classification Sherloc (09022015). Collection method: clinical testing. Allele origin: germline.
Comment: In summary, the available evidence is currently insufficient to determine the role of this variant in disease. Therefore, it has been classified as a Variant of Uncertain Significance. Advanced modeling of protein sequence and biophysical properties (such as structural, functional, and spatial information, amino acid conservation, physicochemical variation, residue mobility, and thermodynamic stability) performed at Invitae indicates that this missense variant is not expected to disrupt APC protein function. This sequence change replaces aspartic acid, which is acidic and polar, with asparagine, which is neutral and polar, at codon 1948 of the APC protein (p.Asp1948Asn). This variant is not present in population databases (gnomAD no frequency). This variant has not been reported in the literature in individuals affected with APC-related conditions. ClinVar contains an entry for this variant (Variation ID: 836545).